The following is an entry in ClinVar:

ClinVar aggregate classification (germline): Uncertain significance (1 of 4 stars; one submission).

Conditions:
Inborn genetic diseases. Identifiers: MedGen C0950123, MeSH D030342.

gnomAD v4.1: 2 of 1,614,018 alleles (0.00012%); highest among the groups gnomAD compares: Non-Finnish European, 0.00017%; no homozygotes.

Submission:

Ambry Genetics
Classification: Uncertain significance for Inborn genetic diseases. Last evaluated: 2024-12-15. Review status: criteria provided, single submitter. Criteria: Ambry Variant Classification Scheme 2023. Collection method: clinical testing. Allele origin: germline.
Comment: The p.S147R variant (also known as c.441C>G), located in coding exon 4 of the G6PC3 gene, results from a C to G substitution at nucleotide position 441. The serine at codon 147 is replaced by arginine, an amino acid with dissimilar properties. This amino acid position is conserved. In addition, this alteration is predicted to be tolerated by in silico analysis. Based on the available evidence, the clinical significance of this variant remains unclear.

NM_138387.4(G6PC3):c.441C>G (p.Ser147Arg)

Gene: G6PC3 (glucose-6-phosphatase catalytic subunit 3; plus strand). Cytogenetic location: 17q21.31.
Variant type: single nucleotide variant.
Coding change: c.441C>G on transcript NM_138387.4 (MANE Select); coding-DNA position 441, C replaced by G.
Protein change: p.Ser147Arg; replaces serine 147 with arginine.
Molecular consequence: missense variant. On other transcripts: intron variant (1).
Genome position (GRCh38, 1-based): chr17:44,074,993, C>G. VCF-style: chr17-44074993-C-G. GRCh37 (hg19) VCF-style: chr17-42152361-C-G.
Other names: c.96C>G, p.Ser32Arg (NM_001384165.1, NM_001384166.1, NM_001384167.1 and 1 more transcripts); c.416+223C>G (NM_001319945.2); short protein forms S147R, S32R.
Identifiers: ClinVar variation 3852324 (VCV003852324.1).